The following is an entry in ClinVar:

ClinVar aggregate classification (germline): Uncertain significance (1 of 4 stars; one submission).

Allele frequency attached by ClinVar (database versions not stated): 1000 Genomes Project 0.00020; 1000 Genomes Project 30x 0.00031.
gnomAD v4.1: 4 of 1,613,240 alleles (0.00025%); highest among the groups gnomAD compares: Admixed American, 0.0067%; no homozygotes.

Submission:

Labcorp Genetics (formerly Invitae), Labcorp
Classification: Uncertain significance. Last evaluated: 2024-12-16. Review status: criteria provided, single submitter. Criteria: Invitae Variant Classification Sherloc (09022015). Collection method: clinical testing. Allele origin: germline.
Comment: This sequence change replaces valine, which is neutral and non-polar, with leucine, which is neutral and non-polar, at codon 192 of the ALPK1 protein (p.Val192Leu). This variant is not present in population databases (gnomAD no frequency). This variant has not been reported in the literature in individuals affected with ALPK1-related conditions. ClinVar contains an entry for this variant (Variation ID: 1913577). Invitae Evidence Modeling of protein sequence and biophysical properties (such as structural, functional, and spatial information, amino acid conservation, physicochemical variation, residue mobility, and thermodynamic stability) indicates that this missense variant is expected to disrupt ALPK1 protein function with a positive predictive value of 80%. In summary, the available evidence is currently insufficient to determine the role of this variant in disease. Therefore, it has been classified as a Variant of Uncertain Significance.

NM_025144.4(ALPK1):c.574G>T (p.Val192Leu)

Gene: ALPK1 (alpha kinase 1; plus strand). Cytogenetic location: 4q25.
Variant type: single nucleotide variant.
Coding change: c.574G>T on transcript NM_025144.4 (MANE Select); coding-DNA position 574, G replaced by T.
Protein change: p.Val192Leu; replaces valine 192 with leucine.
Molecular consequence: missense variant.
Genome position (GRCh38, 1-based): chr4:112,425,703, G>T. VCF-style: chr4-112425703-G-T. GRCh37 (hg19) VCF-style: chr4-113346859-G-T.
Other names: c.574G>T, p.Val192Leu (NM_001102406.2); c.340G>T, p.Val114Leu (NM_001253884.2); short protein forms V114L, V192L.
Identifiers: ClinVar variation 1913577 (VCV001913577.5), dbSNP rs544012199, ClinGen allele CA103757497.